The following is an entry in ClinVar:

NM_000883.4(IMPDH1):c.1587G>T (p.Ser529=)

Gene: IMPDH1 (inosine monophosphate dehydrogenase 1; minus strand). Cytogenetic location: 7q32.1.
Variant type: single nucleotide variant.
Coding change: c.1587G>T on transcript NM_000883.4 (MANE Select); coding-DNA position 1587, G replaced by T.
Protein change: p.Ser529=; no amino-acid change (serine 529 retained).
Molecular consequence: synonymous variant.
Genome position (GRCh38, 1-based): chr7:128,394,563, C>A on the plus strand (G>T on the coding strand, the complement: IMPDH1 is on the minus strand). VCF-style: chr7-128394563-C-A. GRCh37 (hg19) VCF-style: chr7-128034617-C-A.
Other names: c.1557G>T, p.Ser519= (NM_001102605.2); c.1332G>T, p.Ser444= (NM_001142573.2); c.1317G>T, p.Ser439= (NM_001142574.2); c.1257G>T, p.Ser419= (NM_001142575.2); c.1488G>T, p.Ser496= (NM_001142576.2); c.1380G>T, p.Ser460= (NM_001304521.2); c.1479G>T, p.Ser493= (NM_183243.3).
Identifiers: ClinVar variation 3707996 (VCV003707996.2).

ClinVar aggregate classification (germline): Uncertain significance (1 of 4 stars; one submission).

gnomAD v4.1: 4 of 1,613,692 alleles (0.00025%); highest among the groups gnomAD compares: Non-Finnish European, 0.00034%; no homozygotes.

Submission:

Labcorp Genetics (formerly Invitae), Labcorp
Classification: Uncertain significance. Last evaluated: 2025-10-13. Review status: criteria provided, single submitter. Criteria: Invitae Variant Classification Sherloc (09022015). Collection method: clinical testing. Allele origin: germline.
Comment: This sequence change affects codon 529 of the IMPDH1 mRNA. It is a 'silent' change, meaning that it does not change the encoded amino acid sequence of the IMPDH1 protein. The frequency data for this variant in the population databases is considered unreliable, as metrics indicate poor data quality at this position in the gnomAD database. This variant has not been reported in the literature in individuals affected with IMPDH1-related conditions. ClinVar contains an entry for this variant (Variation ID: 3707996). Algorithms developed to predict the effect of sequence changes on RNA splicing suggest that this variant may create or strengthen a splice site. In summary, the available evidence is currently insufficient to determine the role of this variant in disease. Therefore, it has been classified as a Variant of Uncertain Significance.